The following is an entry in ClinVar:

ClinVar aggregate classification (germline): Likely pathogenic. Review status: reviewed by expert panel (3 of 4 stars). 4 submissions from 4 submitters: Likely pathogenic (1). 3 of the submissions do not count toward it. Last evaluated 2026-05-04.

Conditions:
Mucopolysaccharidosis type 1. Also called: Mucopolysaccharidosis Type I; IDUA deficiency; MPS I. Identifiers: Orphanet 579, MedGen C0023786, MONDO:0001586.
Mucopolysaccharidosis, MPS-I-S. Also called: Scheie Syndrome; MUCOPOLYSACCHARIDOSIS TYPE IS; MPS V; MUCOPOLYSACCHARIDOSIS TYPE V. Identifiers: Orphanet 93474, MedGen C0026708, MONDO:0011760, OMIM 607016.
Hurler syndrome. Also called: Gargoylism, Hurler Syndrome; MUCOPOLYSACCHARIDOSIS TYPE IH; Severe MPS I (Hurler Syndrome). Identifiers: Orphanet 93473, MedGen C0086795, MONDO:0011758, OMIM 607014.
Mucopolysaccharidosis, MPS-I-H/S. Also called: Mucopolysaccharidosis type IH/S. Identifiers: Orphanet 93476, MedGen C0086431, MONDO:0011759, OMIM 607015.

Allele frequency attached by ClinVar (database versions not stated): gnomAD exomes below 0.00001.
gnomAD v4.1: 2 of 1,611,358 alleles (0.00012%); highest among the groups gnomAD compares: South Asian, 0.0011%; no homozygotes.

Submissions (4):

ClinGen Lysosomal Storage Disorder Variant Curation Expert Panel
Classification: Likely pathogenic for Mucopolysaccharidosis type 1. Last evaluated: 2026-05-04. Review status: reviewed by expert panel. Criteria: ClinGen LSD ACMG Specifications IDUA V1.2.0. Collection method: curation. Allele origin: germline. Inheritance: Autosomal recessive inheritance.
Comment: The NM_000203.5:c.1877G>A (p.Trp626Ter) variant in IDUA is a nonsense variant predicted to cause a premature stop codon in the last exon of the gene, and therefore to escape nonsense-mediated decay. Less than 10% of the protein is predicted to be removed (PVS1_Moderate). At least 3 patients with this variant had documented IDUA deficiency within the affected range in leukocytes, and urinary GAGs expressed as specific GAG elevation above normal range, and/or clinical features specific to MPS I including dysostosis multiplex, hepatosplenomegaly, arthropathy, and corneal involvement. (PP4_Moderate). Of those individuals, 3 were compound heterozygous for the variant and a variant in IDUA that has been classified as pathogenic or likely pathogenic variant for MPS I by the ClinGen LD VCEP; 2 of those were confirmed in trans by parental testing (1 will be used to classify another variant). The second variant included c.1210G>T (p.Glu404Ter, ClinVar ID: 552095), and c.208C>T (p.Gln70Ter, ClinVar ID: 11909) [PMIDs: 21480867, 19396826]. Total: 1.5 points (PM3). The highest population minor allele frequency in gnomAD v4.1.0 is [0.0000008] (1/1179946 alleles) in the Non-Finnish European population, which is lower than the ClinGen Lysosomal Diseases VCEP’s threshold for PM2_Supporting (<0.00025), meeting this criterion (PM2_Supporting). In summary, this variant meets the criteria to be classified as likely pathogenic for MPS I based on the IDUA-specific ACMG/AMP criteria applied, as specified by the ClinGen Lysosomal Diseases Variant Curation Expert Panel (Specifications Version 1.2.0): PVS1_moderate; PP4_moderate; PM3; PM2_supporting (Classification approved by the ClinGen Lysosomal Diseases Variant Curation Expert Panel on May 4, 2026)

Labcorp Genetics (formerly Invitae), Labcorp
Classification: Pathogenic for Mucopolysaccharidosis type 1. Last evaluated: 2022-06-19. Review status: criteria provided, single submitter. Criteria: Invitae Variant Classification Sherloc (09022015). Collection method: clinical testing. Allele origin: germline. Not counted in ClinVar's aggregate classification.
Comment: For these reasons, this variant has been classified as Pathogenic. This variant disrupts the C-terminus of the IDUA protein. Other variant(s) that disrupt this region (p.R628*) have been observed in individuals with IDUA-related conditions (PMID: 19396826). This suggests that this may be a clinically significant region of the protein. Algorithms developed to predict the effect of sequence changes on RNA splicing suggest that this variant may create or strengthen a splice site. ClinVar contains an entry for this variant (Variation ID: 928997). This premature translational stop signal has been observed in individual(s) with mucopolysaccharidosis type I (PMID: 19396826, 21462124, 28752568). This variant is present in population databases (no rsID available, gnomAD 0.003%). This sequence change creates a premature translational stop signal (p.Trp626*) in the IDUA gene. While this is not anticipated to result in nonsense mediated decay, it is expected to disrupt the last 28 amino acid(s) of the IDUA protein.

Fulgent Genetics
Classification: Pathogenic for Hurler syndrome; Mucopolysaccharidosis, MPS-I-H/S; Mucopolysaccharidosis, MPS-I-S. Last evaluated: 2022-03-11. Review status: criteria provided, single submitter. Criteria: ACMG Guidelines, 2015. Collection method: clinical testing. Allele origin: unknown. Not counted in ClinVar's aggregate classification.

Women's Health and Genetics/Laboratory Corporation of America, LabCorp
Classification: Pathogenic for Mucopolysaccharidosis type 1. Last evaluated: 2019-02-25. Review status: criteria provided, single submitter. Criteria: LabCorp Variant Classification Summary - May 2015. Collection method: clinical testing. Allele origin: germline. Not counted in ClinVar's aggregate classification.
Comment: Variant summary: IDUA c.1877G>A (p.Trp626X) results in a premature termination codon, predicted to cause a truncation of the encoded protein or absence of the protein due to nonsense mediated decay, which are commonly known mechanisms for disease. The variant allele was found at a frequency of 4.1e-06 in 244298 control chromosomes (gnomAD). c.1877G>A has been reported in the literature in individuals affected with Mucopolysaccharidosis Type 1 (Vazna_2009, Wang_2012, Ghosh_2017). These data indicate that the variant is likely to be associated with disease. The compound heterozygote patients from Wang_2012 were found to have less than 10% IDUA activity. No clinical diagnostic laboratories have submitted clinical-significance assessments for this variant to ClinVar after 2014. Based on the evidence outlined above, the variant was classified as pathogenic.

Literature cited by the submitters: PubMed 19396826 (cited by Labcorp Genetics (formerly Invitae), Labcorp and Women's Health and Genetics/Laboratory Corporation of America, LabCorp); PubMed 21462124 (cited by Labcorp Genetics (formerly Invitae), Labcorp); PubMed 28752568 (cited by Labcorp Genetics (formerly Invitae), Labcorp and Women's Health and Genetics/Laboratory Corporation of America, LabCorp); PubMed 21480867 (cited by Women's Health and Genetics/Laboratory Corporation of America, LabCorp).

NM_000203.5(IDUA):c.1877G>A (p.Trp626Ter)

Gene: IDUA (alpha-L-iduronidase; plus strand). Cytogenetic location: 4p16.3.
Variant type: single nucleotide variant.
Coding change: c.1877G>A on transcript NM_000203.5 (MANE Select); coding-DNA position 1877, G replaced by A.
Protein change: p.Trp626Ter; replaces tryptophan 626 with a stop codon.
Molecular consequence: nonsense. On other transcripts: non-coding transcript variant (1).
Genome position (GRCh38, 1-based): chr4:1,004,308, G>A. VCF-style: chr4-1004308-G-A. GRCh37 (hg19) VCF-style: chr4-998096-G-A.
Other names: NM_000203.5(IDUA):c.1877G>A; p.Trp626Ter; c.1481G>A, p.Trp494Ter (NM_001363576.1); short protein forms W494*, W626*.
Identifiers: ClinVar variation 928997 (VCV000928997.13), dbSNP rs1456090810, ClinGen allele CA355965968.